The following is an entry in ClinVar:

NM_002474.3(MYH11):c.2172C>A (p.Phe724Leu)

Gene: MYH11 (myosin heavy chain 11; minus strand). Cytogenetic location: 16p13.11.
Variant type: single nucleotide variant.
Coding change: c.2172C>A on transcript NM_002474.3 (MANE Select); coding-DNA position 2172, C replaced by A.
Protein change: p.Phe724Leu; replaces phenylalanine 724 with leucine.
Molecular consequence: missense variant.
Genome position (GRCh38, 1-based): chr16:15,748,055, G>T on the plus strand (C>A on the coding strand, the complement: MYH11 is on the minus strand). VCF-style: chr16-15748055-G-T. GRCh37 (hg19) VCF-style: chr16-15841912-G-T.
Other names: c.2193C>A, p.Phe731Leu (NM_001040114.2, NM_001040113.2); c.2172C>A, p.Phe724Leu (NM_022844.3); short protein forms F724L, F731L.
Identifiers: ClinVar variation 5025058 (VCV005025058.1).

ClinVar aggregate classification (germline): Uncertain significance (1 of 4 stars; one submission).

Conditions:
Familial thoracic aortic aneurysm and aortic dissection (TAAD). Also called: Thoracic aortic aneurysms and dissections. Identifiers: Orphanet 91387, MedGen C4707243, MONDO:0019625.

Submission:

Ambry Genetics
Classification: Uncertain significance for Familial thoracic aortic aneurysm and aortic dissection. Last evaluated: 2026-07-01. Review status: criteria provided, single submitter. Criteria: Ambry Variant Classification Scheme 2023. Collection method: clinical testing. Allele origin: germline.
Comment: The p.F724L variant (also known as c.2172C>A), located in coding exon 16 of the MYH11 gene, results from a C to A substitution at nucleotide position 2172. The phenylalanine at codon 724 is replaced by leucine, an amino acid with highly similar properties. This amino acid position is conserved. In addition, this alteration is predicted to be deleterious by in silico analysis. Based on the available evidence, the clinical significance of this variant remains unclear.